The following is an entry in ClinVar:

NM_000548.5(TSC2):c.546C>T (p.Asn182=)

Gene: TSC2 (TSC complex subunit 2; plus strand). Cytogenetic location: 16p13.3.
Variant type: single nucleotide variant.
Coding change: c.546C>T on transcript NM_000548.5 (MANE Select); coding-DNA position 546, C replaced by T.
Protein change: p.Asn182=; no amino-acid change (asparagine 182 retained).
Molecular consequence: synonymous variant. On other transcripts: intron variant (1).
Genome position (GRCh38, 1-based): chr16:2,055,466, C>T. VCF-style: chr16-2055466-C-T. GRCh37 (hg19) VCF-style: chr16-2105467-C-T.
Other names: c.546C>T, p.Asn182= (NM_001077183.3, NM_001114382.3, NM_001363528.2 and 3 more transcripts); c.435C>T, p.Asn145= (NM_001318827.2); c.399C>T, p.Asn133= (NM_001318829.2); c.579C>T, p.Asn193= (NM_001318832.2); c.-1-730C>T (NM_001318831.2); c.546C>T (NM_000548.3).
Identifiers: ClinVar variation 1534805 (VCV001534805.10), dbSNP rs2085665682, ClinGen allele CA492955804.

ClinVar aggregate classification (germline): Benign/Likely benign. Review status: criteria provided, multiple submitters, no conflicts (2 of 4 stars). 4 submissions from 4 submitters: Benign (1); Likely benign (3). Last evaluated 2025-11-18.

Conditions:
Hereditary cancer-predisposing syndrome. Also called: Tumor predisposition; Hereditary Cancer Syndrome; Hereditary neoplastic syndrome; Neoplastic Syndromes, Hereditary. Identifiers: Orphanet 140162, MedGen C0027672, MeSH D009386, MONDO:0015356.
Tuberous sclerosis syndrome (TSC). Also called: Tuberous Sclerosis Complex; Tuberous sclerosis. Identifiers: Orphanet 805, MedGen C0041341, MONDO:0001734.
Tuberous sclerosis 2 (TSC2). Identifiers: Orphanet 805, MedGen C1860707, MONDO:0013199, OMIM 613254.

Allele frequency attached by ClinVar (database versions not stated): gnomAD exomes below 0.00001.
gnomAD v4.1: 2 of 1,614,200 alleles (0.00012%); highest among the groups gnomAD compares: South Asian, 0.0011%; no homozygotes.

Submissions (4):

Labcorp Genetics (formerly Invitae), Labcorp
Classification: Likely benign for Tuberous sclerosis 2. Last evaluated: 2025-11-18. Review status: criteria provided, single submitter. Criteria: Invitae Variant Classification Sherloc (09022015). Collection method: clinical testing. Allele origin: germline.

Color Diagnostics, LLC DBA Color Health
Classification: Likely benign for Tuberous sclerosis syndrome. Last evaluated: 2025-05-20. Review status: criteria provided, single submitter. Criteria: ACMG Guidelines, 2015. Collection method: clinical testing. Allele origin: germline.

Myriad Genetics, Inc.
Classification: Benign for Tuberous sclerosis 2. Last evaluated: 2025-05-07. Review status: criteria provided, single submitter. Criteria: Myriad Autosomal Dominant, Autosomal Recessive and X-Linked Classification Criteria (2023). Collection method: clinical testing. Allele origin: unknown.
Comment: This variant is considered benign. This variant is a silent/synonymous amino acid change and it is not expected to impact splicing.

Ambry Genetics
Classification: Likely benign for Hereditary cancer-predisposing syndrome. Last evaluated: 2024-06-25. Review status: criteria provided, single submitter. Criteria: Ambry Variant Classification Scheme 2023. Collection method: clinical testing. Allele origin: germline.